The following is an entry in ClinVar:

NM_001375978.1(CHRM3):c.1057G>A (p.Asp353Asn)

Gene: CHRM3 (cholinergic receptor muscarinic 3; plus strand). Cytogenetic location: 1q43.
Variant type: single nucleotide variant.
Coding change: c.1057G>A on transcript NM_001375978.1 (MANE Select); coding-DNA position 1057, G replaced by A.
Protein change: p.Asp353Asn; replaces aspartic acid 353 with asparagine.
Molecular consequence: missense variant.
Genome position (GRCh38, 1-based): chr1:239,908,508, G>A. VCF-style: chr1-239908508-G-A. GRCh37 (hg19) VCF-style: chr1-240071808-G-A.
Other names: c.1057G>A (NM_000740.2); c.1057G>A, p.Asp353Asn (NM_000740.4, NM_001347716.2, NM_001375979.1 and 6 more transcripts); short protein forms D353N.
Identifiers: ClinVar variation 1929873 (VCV001929873.6), dbSNP rs201087854, ClinGen allele CA1475866.
Genomic context (GRCh38, chr1:239,908,508, plus strand): 5'-AGCAGTGACAGTTGGAACAACAATGATGCTGCTGCCTCCCTGGAGAACTCCGCCTCCTCC[G>A]ACGAGGAGGACATTGGCTCCGAGACGAGAGCCATCTACTCCATCGTGCTCAAGCTTCCGG-3'
Protein context (NP_001362907.1, residues 343-363): AASLENSASS[Asp353Asn]EEDIGSETRA

ClinVar aggregate classification (germline): Uncertain significance. Review status: criteria provided, multiple submitters, no conflicts (2 of 4 stars). 2 submissions from 2 submitters: Uncertain significance (2). Last evaluated 2025-07-03.

Allele frequency attached by ClinVar (database versions not stated): ExAC 0.00001; gnomAD 0.00001; TOPMed 0.00001.
gnomAD v4.1: 29 of 1,598,652 alleles (0.0018%); highest among the groups gnomAD compares: East Asian, 0.0045%; no homozygotes.

Submissions (2):

Ambry Genetics
Classification: Uncertain significance. Last evaluated: 2025-07-03. Review status: criteria provided, single submitter. Criteria: Ambry Variant Classification Scheme 2023. Collection method: clinical testing. Allele origin: germline.

Labcorp Genetics (formerly Invitae), Labcorp
Classification: Uncertain significance. Last evaluated: 2022-08-22. Review status: criteria provided, single submitter. Criteria: Invitae Variant Classification Sherloc (09022015). Collection method: clinical testing. Allele origin: germline.
Comment: In summary, the available evidence is currently insufficient to determine the role of this variant in disease. Therefore, it has been classified as a Variant of Uncertain Significance. Algorithms developed to predict the effect of missense changes on protein structure and function (SIFT, PolyPhen-2, Align-GVGD) all suggest that this variant is likely to be tolerated. This variant has not been reported in the literature in individuals affected with CHRM3-related conditions. This variant is present in population databases (rs201087854, gnomAD 0.004%). This sequence change replaces aspartic acid, which is acidic and polar, with asparagine, which is neutral and polar, at codon 353 of the CHRM3 protein (p.Asp353Asn).